The following is an entry in ClinVar:

NM_001371623.1(TCOF1):c.2461C>T (p.Gln821Ter)

Gene: TCOF1 (treacle ribosome biogenesis factor 1; plus strand). Cytogenetic location: 5q32.
Variant type: single nucleotide variant.
Coding change: c.2461C>T on transcript NM_001371623.1 (MANE Select); coding-DNA position 2461, C replaced by T.
Protein change: p.Gln821Ter; replaces glutamine 821 with a stop codon.
Molecular consequence: nonsense.
Genome position (GRCh38, 1-based): chr5:150,379,025, C>T. VCF-style: chr5-150379025-C-T. GRCh37 (hg19) VCF-style: chr5-149758588-C-T.
Other names: c.2230C>T, p.Gln744Ter (NM_000356.4, NM_001135245.2); c.2461C>T, p.Gln821Ter (NM_001008657.3, NM_001135243.2, NM_001135244.2 and 1 more transcripts); short protein forms Q744*, Q821*.
Identifiers: ClinVar variation 3382930 (VCV003382930.2).

ClinVar aggregate classification (germline): Pathogenic (1 of 4 stars; one submission).

Conditions:
Treacher Collins syndrome 1 (TCS1). Also called: TCOF1-Related Treacher Collins Syndrome. Identifiers: Orphanet 861, MedGen CN315775, MONDO:0007944, OMIM 154500.

Submission:

Juno Genomics, Hangzhou Juno Genomics, Inc
Classification: Pathogenic for Treacher Collins syndrome 1. Review status: criteria provided, single submitter. Criteria: ACMG Guidelines, 2015. Collection method: clinical testing. Allele origin: germline. Affected: yes.
Comment: Null variant in a gene where loss of function (LOF) is a known mechanism of disease.;Absent from controls (or at extremely low frequency if recessive) in Genome Aggregation Database, Exome Sequencing Project, 1000 Genomes Project, or Exome Aggregation Consortium.;The prevalence of the variant in affected individuals is significantly increased compared to the prevalence in controls.;Assumed de novo, but without confirmation of paternity and maternity.;Patient's phenotype or family history is highly specific for a disease with a single genetic etiology.